The following is an entry in ClinVar:

ClinVar aggregate classification (germline): Benign/Likely benign. Review status: criteria provided, multiple submitters, no conflicts (2 of 4 stars). 8 submissions from 6 submitters: Benign (1); Likely benign (6). 1 of the submissions does not count toward it. Last evaluated 2026-01-20.

Conditions:
Amyotrophic lateral sclerosis type 4 (ALS4). Also called: AMYOTROPHIC LATERAL SCLEROSIS 4, JUVENILE; NEURONOPATHY, DISTAL HEREDITARY MOTOR, WITH PYRAMIDAL FEATURES. Identifiers: Orphanet 357043, MedGen C1865409, MONDO:0011223, OMIM 602433.
Spinocerebellar ataxia, autosomal recessive, with axonal neuropathy 2 (SCAN2). Also called: Ataxia-ocular apraxia-2; Ataxia with Oculomotor Apraxia; ATAXIA-OCULOMOTOR APRAXIA 2; Ataxia with Oculomotor Apraxia Type 2. Identifiers: Orphanet 64753, MedGen C1853761, MONDO:0018996, OMIM 606002.
SETX-related disorder. Also called: SETX-related condition; SETX-related disorders. Identifiers: MedGen CN239403.
Inborn genetic diseases. Identifiers: MedGen C0950123, MeSH D030342.

Allele frequency attached by ClinVar (database versions not stated): gnomAD exomes 0.00010 and 0.00046; gnomAD 0.00013 and 0.00024; TOPMed 0.00032; ExAC 0.00050; 1000 Genomes Project 30x 0.00281; 1000 Genomes Project 0.00300.
gnomAD v4.1: 204 of 1,614,034 alleles (0.013%); highest among the groups gnomAD compares: East Asian, 0.32%; no homozygotes.

Submissions (8):

Labcorp Genetics (formerly Invitae), Labcorp
Classification: Likely benign for Amyotrophic lateral sclerosis type 4; Spinocerebellar ataxia, autosomal recessive, with axonal neuropathy 2. Last evaluated: 2026-01-20. Review status: criteria provided, single submitter. Criteria: Invitae Variant Classification Sherloc (09022015). Collection method: clinical testing. Allele origin: germline.

ARUP Laboratories, Molecular Genetics and Genomics, ARUP Laboratories
Classification: Likely benign. Last evaluated: 2024-11-21. Review status: criteria provided, single submitter. Criteria: ARUP Molecular Germline Variant Investigation Process 2024. Collection method: clinical testing. Allele origin: germline.

Genome-Nilou Lab
Classification: Likely benign for Spinocerebellar ataxia, autosomal recessive, with axonal neuropathy 2. Last evaluated: 2023-02-08. Review status: criteria provided, single submitter. Criteria: ACMG Guidelines, 2015. Collection method: clinical testing. Allele origin: germline.

Genome-Nilou Lab
Classification: Likely benign for Amyotrophic lateral sclerosis type 4. Last evaluated: 2023-02-08. Review status: criteria provided, single submitter. Criteria: ACMG Guidelines, 2015. Collection method: clinical testing. Allele origin: germline.

Ambry Genetics
Classification: Likely benign for Inborn genetic diseases. Last evaluated: 2020-12-02. Review status: criteria provided, single submitter. Criteria: Ambry Variant Classification Scheme 2023. Collection method: clinical testing. Allele origin: germline.

Illumina Laboratory Services, Illumina
Classification: Likely benign for Spinocerebellar ataxia, autosomal recessive, with axonal neuropathy 2. Last evaluated: 2018-01-12. Review status: criteria provided, single submitter. Criteria: ICSL Variant Classification Criteria 13 December 2019. Collection method: clinical testing. Allele origin: germline.
Comment: This variant was observed in the ICSL laboratory as part of a predisposition screen in an ostensibly healthy population. It had not been previously curated by ICSL or reported in the Human Gene Mutation Database (HGMD: prior to June 1st, 2018), and was therefore a candidate for classification through an automated scoring system. Utilizing variant allele frequency, disease prevalence and penetrance estimates, and inheritance mode, an automated score was calculated to assess if this variant is too frequent to cause the disease. Based on the score and internal cut-off values, a variant classified as likely benign is not then subjected to further curation. The score for this variant resulted in a classification of likely benign for this disease.

Illumina Laboratory Services, Illumina
Classification: Benign for Amyotrophic lateral sclerosis type 4. Last evaluated: 2018-01-12. Review status: criteria provided, single submitter. Criteria: ICSL Variant Classification Criteria 13 December 2019. Collection method: clinical testing. Allele origin: germline.
Comment: This variant was observed in the ICSL laboratory as part of a predisposition screen in an ostensibly healthy population. It had not been previously curated by ICSL or reported in the Human Gene Mutation Database (HGMD: prior to June 1st, 2018), and was therefore a candidate for classification through an automated scoring system. Utilizing variant allele frequency, disease prevalence and penetrance estimates, and inheritance mode, an automated score was calculated to assess if this variant is too frequent to cause the disease. Based on the score and internal cut-off values, a variant classified as benign is not then subjected to further curation. The score for this variant resulted in a classification of benign for this disease.

PreventionGenetics, part of Exact Sciences
Classification: Likely benign for SETX-related condition. Last evaluated: 2024-08-06. Review status: no assertion criteria provided. Collection method: clinical testing. Allele origin: germline. Not counted in ClinVar's aggregate classification.
Comment: This variant is classified as likely benign based on ACMG/AMP sequence variant interpretation guidelines (Richards et al. 2015 PMID: 25741868, with internal and published modifications).

NM_015046.7(SETX):c.3992C>T (p.Pro1331Leu)

Gene: SETX (senataxin; minus strand). Cytogenetic location: 9q34.13.
Variant type: single nucleotide variant.
Coding change: c.3992C>T on transcript NM_015046.7 (MANE Select); coding-DNA position 3992, C replaced by T.
Protein change: p.Pro1331Leu; replaces proline 1331 with leucine.
Molecular consequence: missense variant.
Genome position (GRCh38, 1-based): chr9:132,327,606, G>A on the plus strand (C>T on the coding strand, the complement: SETX is on the minus strand). VCF-style: chr9-132327606-G-A. GRCh37 (hg19) VCF-style: chr9-135202993-G-A.
Other names: c.3992C>T, p.Pro1331Leu (NM_001351527.2, NM_001351528.2); short protein forms P1331L.
Identifiers: ClinVar variation 365357 (VCV000365357.19), dbSNP rs11243731, ClinGen allele CA5297290.